The following is an entry in ClinVar:

NM_139321.3(ATRN):c.494A>T (p.Gln165Leu)

Gene: ATRN (attractin; plus strand). Cytogenetic location: 20p13.
Variant type: single nucleotide variant.
Coding change: c.494A>T on transcript NM_139321.3 (MANE Select); coding-DNA position 494, A replaced by T.
Protein change: p.Gln165Leu; replaces glutamine 165 with leucine.
Molecular consequence: missense variant.
Genome position (GRCh38, 1-based): chr20:3,535,336, A>T. VCF-style: chr20-3535336-A-T. GRCh37 (hg19) VCF-style: chr20-3515983-A-T.
Other names: c.146A>T, p.Gln49Leu (NM_001207047.3); c.494A>T, p.Gln165Leu (NM_001323332.2, NM_139322.4); c.494A>T (NM_139321.2); short protein forms Q165L, Q49L.
Identifiers: ClinVar variation 1147884 (VCV001147884.10), dbSNP rs139505141, ClinGen allele CA9743807.

ClinVar aggregate classification (germline): Likely benign. Review status: criteria provided, single submitter (1 of 4 stars). 2 submissions from 2 submitters: Likely benign (1). 1 of the submissions does not count toward it. Last evaluated 2026-02-01.

Conditions:
ATRN-related disorder. Also called: ATRN-related condition.

Allele frequency attached by ClinVar (database versions not stated): 1000 Genomes Project 0.00220; 1000 Genomes Project 30x 0.00234; ESP Exome Variant Server 0.00431.
gnomAD v4.1: 5,696 of 1,516,696 alleles (0.38%); highest among the groups gnomAD compares: Non-Finnish European, 0.47%; 25 homozygotes.

Submissions (2):

Labcorp Genetics (formerly Invitae), Labcorp
Classification: Likely benign. Last evaluated: 2026-02-01. Review status: criteria provided, single submitter. Criteria: Invitae Variant Classification Sherloc (09022015). Collection method: clinical testing. Allele origin: germline.

PreventionGenetics, part of Exact Sciences
Classification: Likely benign for ATRN-related condition. Last evaluated: 2024-07-29. Review status: no assertion criteria provided. Collection method: clinical testing. Allele origin: germline. Not counted in ClinVar's aggregate classification.
Comment: This variant is classified as likely benign based on ACMG/AMP sequence variant interpretation guidelines (Richards et al. 2015 PMID: 25741868, with internal and published modifications).